The following is an entry in ClinVar:

ClinVar aggregate classification (germline): Uncertain significance. Review status: criteria provided, multiple submitters, no conflicts (2 of 4 stars). 2 submissions from 2 submitters: Uncertain significance (2). Last evaluated 2025-02-07.

Conditions:
Hereditary cancer-predisposing syndrome. Also called: Tumor predisposition; Hereditary neoplastic syndrome; Hereditary Cancer Syndrome; Neoplastic Syndromes, Hereditary. Identifiers: Orphanet 140162, MedGen C0027672, MeSH D009386, MONDO:0015356.

gnomAD v4.1: 2 of 1,614,054 alleles (0.00012%); highest among the groups gnomAD compares: Non-Finnish European, 0.00017%; no homozygotes.

Submissions (2):

Ambry Genetics
Classification: Uncertain significance for Hereditary cancer-predisposing syndrome. Last evaluated: 2025-02-07. Review status: criteria provided, single submitter. Criteria: Ambry Variant Classification Scheme 2023. Collection method: clinical testing. Allele origin: germline.
Comment: The p.E1190K variant (also known as c.3568G>A), located in coding exon 29 of the POLE gene, results from a G to A substitution at nucleotide position 3568. The glutamic acid at codon 1190 is replaced by lysine, an amino acid with similar properties. This amino acid position is well conserved in available vertebrate species. In addition, this alteration is predicted to be tolerated by in silico analysis. Based on the available evidence, the clinical significance of this variant remains unclear.

Labcorp Genetics (formerly Invitae), Labcorp
Classification: Uncertain significance. Last evaluated: 2022-10-10. Review status: criteria provided, single submitter. Criteria: Invitae Variant Classification Sherloc (09022015). Collection method: clinical testing. Allele origin: germline.
Comment: In summary, the available evidence is currently insufficient to determine the role of this variant in disease. Therefore, it has been classified as a Variant of Uncertain Significance. Advanced modeling of protein sequence and biophysical properties (such as structural, functional, and spatial information, amino acid conservation, physicochemical variation, residue mobility, and thermodynamic stability) performed at Invitae indicates that this missense variant is not expected to disrupt POLE protein function. This variant has not been reported in the literature in individuals affected with POLE-related conditions. This variant is not present in population databases (gnomAD no frequency). This sequence change replaces glutamic acid, which is acidic and polar, with lysine, which is basic and polar, at codon 1190 of the POLE protein (p.Glu1190Lys).

NM_006231.4(POLE):c.3568G>A (p.Glu1190Lys)

Gene: POLE (DNA polymerase epsilon, catalytic subunit; minus strand). Cytogenetic location: 12q24.33.
Variant type: single nucleotide variant.
Coding change: c.3568G>A on transcript NM_006231.4 (MANE Select); coding-DNA position 3568, G replaced by A.
Protein change: p.Glu1190Lys; replaces glutamic acid 1190 with lysine.
Molecular consequence: missense variant.
Genome position (GRCh38, 1-based): chr12:132,657,150, C>T on the plus strand (G>A on the coding strand, the complement: POLE is on the minus strand). VCF-style: chr12-132657150-C-T. GRCh37 (hg19) VCF-style: chr12-133233736-C-T.
Other names: c.3568G>A (NM_006231.2); short protein forms E1190K.
Identifiers: ClinVar variation 2147342 (VCV002147342.5), dbSNP rs2138656140, ClinGen allele CA387388335.